The following is an entry in ClinVar:

NM_012073.5(CCT5):c.1243G>A (p.Asp415Asn)

Gene: CCT5 (chaperonin containing TCP1 subunit 5; plus strand). Cytogenetic location: 5p15.2.
Variant type: single nucleotide variant.
Coding change: c.1243G>A on transcript NM_012073.5 (MANE Select); coding-DNA position 1243, G replaced by A.
Protein change: p.Asp415Asn; replaces aspartic acid 415 with asparagine.
Molecular consequence: missense variant.
Genome position (GRCh38, 1-based): chr5:10,262,544, G>A. VCF-style: chr5-10262544-G-A. GRCh37 (hg19) VCF-style: chr5-10262656-G-A.
Other names: c.1180G>A, p.Asp394Asn (NM_001306153.1); c.1078G>A, p.Asp360Asn (NM_001306154.2); c.964G>A, p.Asp322Asn (NM_001306155.2); c.1129G>A, p.Asp377Asn (NM_001306156.2); short protein forms D377N, D394N, D415N, D360N, D322N.
Identifiers: ClinVar variation 4744749 (VCV004744749.1).
Genomic context (GRCh38, chr5:10,262,544, plus strand): 5'-ATTGAGGAGGCGAAACGATCCCTTCACGATGCTTTGTGTGTCATCCGGAACCTCATCCGC[G>A]ATAATCGTGTGGTGTATGGAGGAGGGGCTGCTGAGATATCCTGTGCCCTGGCAGTTAGCC-3'
Protein context (NP_036205.1, residues 405-425): ALCVIRNLIR[Asp415Asn]NRVVYGGGAA

ClinVar aggregate classification (germline): Uncertain significance (1 of 4 stars; one submission).

Conditions:
Hereditary sensory and autonomic neuropathy with spastic paraplegia (HSNSP). Identifiers: Orphanet 139578, MedGen C1850395, MONDO:0009748, OMIM 256840.

Submission:

Labcorp Genetics (formerly Invitae), Labcorp
Classification: Uncertain significance for Hereditary sensory and autonomic neuropathy with spastic paraplegia. Last evaluated: 2025-10-22. Review status: criteria provided, single submitter. Criteria: Invitae Variant Classification Sherloc (09022015). Collection method: clinical testing. Allele origin: germline.
Comment: This sequence change replaces aspartic acid, which is acidic and polar, with asparagine, which is neutral and polar, at codon 415 of the CCT5 protein (p.Asp415Asn). This variant is present in population databases (rs11557654, gnomAD 0.03%). This variant has not been reported in the literature in individuals affected with CCT5-related conditions. Invitae Evidence Modeling of protein sequence and biophysical properties (such as structural, functional, and spatial information, amino acid conservation, physicochemical variation, residue mobility, and thermodynamic stability) indicates that this missense variant is not expected to disrupt CCT5 protein function with a negative predictive value of 80%. In summary, the available evidence is currently insufficient to determine the role of this variant in disease. Therefore, it has been classified as a Variant of Uncertain Significance.